The following is an entry in ClinVar:

NM_001267550.2(TTN):c.33881C>T (p.Pro11294Leu)

Gene: TTN (titin; minus strand). Cytogenetic location: 2q31.2.
Variant type: single nucleotide variant.
Coding change: c.33881C>T on transcript NM_001267550.2 (MANE Select); coding-DNA position 33881, C replaced by T.
Protein change: p.Pro11294Leu; replaces proline 11294 with leucine.
Molecular consequence: missense variant. On other transcripts: intron variant (3).
Genome position (GRCh38, 1-based): chr2:178,678,443, G>A on the plus strand (C>T on the coding strand, the complement: TTN is on the minus strand). VCF-style: chr2-178678443-G-A. GRCh37 (hg19) VCF-style: chr2-179543170-G-A.
Other names: c.32930C>T, p.Pro10977Leu (NM_001256850.1); c.30149C>T, p.Pro10050Leu (NM_133378.4); c.13283-36126C>T (NM_003319.4); c.13859-36126C>T (NM_133437.4); c.13658-36126C>T (NM_133432.3); short protein forms P10050L, P10977L, P11294L.
Identifiers: ClinVar variation 4685738 (VCV004685738.1).

ClinVar aggregate classification (germline): Uncertain significance (1 of 4 stars; one submission).

gnomAD v4.1: 2 of 1,596,536 alleles (0.00013%); highest among the groups gnomAD compares: Middle Eastern, 0.017%; no homozygotes.

Submission:

ARUP Laboratories, Molecular Genetics and Genomics, ARUP Laboratories
Classification: Uncertain significance. Last evaluated: 2025-04-08. Review status: criteria provided, single submitter. Criteria: ARUP Molecular Germline Variant Investigation Process 2024. Collection method: clinical testing. Allele origin: germline.
Comment: The TTN c.33881C>T; p.Pro11294Leu variant (rs372841136) is rare in the general population (<0.2% allele frequency in the Genome Aggregation Database) and has not been reported in the medical literature in association with dilated cardiomyopathy (DCM) or other TTN-related disease. The clinical relevance of rare missense variants in this gene, which are identified on average once per individual sequenced in affected populations (Herman 2012), is not well understood. Yet, evidence suggests that the vast majority of such missense variants do not contribute to the clinical outcome of DCM (Begay 2015). Thus, the clinical significance of the p.Pro11294Leu variant cannot be determined with certainty. References: Begay RL et al. Role of Titin Missense Variants in Dilated Cardiomyopathy. J Am Heart Assoc. 2015 Nov 13;4(11). PMID: 26567375. Herman DS et al. Truncations of titin causing dilated cardiomyopathy. N Engl J Med. 2012 Feb 16;366(7):619-28. PMID: 22335739. Linke WA and Hamdani N. Gigantic business: titin properties and function through thick and thin. Circ Res 2014; 114(6): 1052-1068. PMID: 24625729.